The following is an entry in ClinVar:

ClinVar aggregate classification (germline): Uncertain significance (1 of 4 stars; one submission).

Conditions:
Hereditary cancer-predisposing syndrome. Also called: Neoplastic Syndromes, Hereditary; Tumor predisposition; Hereditary Cancer Syndrome; Hereditary neoplastic syndrome. Identifiers: Orphanet 140162, MedGen C0027672, MeSH D009386, MONDO:0015356.

Submission:

Ambry Genetics
Classification: Uncertain significance for Hereditary cancer-predisposing syndrome. Last evaluated: 2017-01-03. Review status: criteria provided, single submitter. Criteria: Ambry Variant Classification Scheme 2023. Collection method: clinical testing. Allele origin: germline.
Comment: The p.D140Y variant (also known as c.418G>T), located in coding exon 3 of the CDK4 gene, results from a G to T substitution at nucleotide position 418. The aspartic acid at codon 140 is replaced by tyrosine, an amino acid with highly dissimilar properties. This amino acid position is highly conserved in available vertebrate species. In addition, this alteration is predicted to be deleterious by in silico analysis. Since supporting evidence is limited at this time, the clinical significance of this alteration remains unclear.

NM_000075.4(CDK4):c.418G>T (p.Asp140Tyr)

Gene: CDK4 (cyclin dependent kinase 4; minus strand). Cytogenetic location: 12q14.1.
Variant type: single nucleotide variant.
Coding change: c.418G>T on transcript NM_000075.4 (MANE Select); coding-DNA position 418, G replaced by T.
Protein change: p.Asp140Tyr; replaces aspartic acid 140 with tyrosine.
Molecular consequence: missense variant.
Genome position (GRCh38, 1-based): chr12:57,751,027, C>A on the plus strand (G>T on the coding strand, the complement: CDK4 is on the minus strand). VCF-style: chr12-57751027-C-A. GRCh37 (hg19) VCF-style: chr12-58144810-C-A.
Other names: short protein forms D140Y.
Identifiers: ClinVar variation 485493 (VCV000485493.5), dbSNP rs1555201308, ClinGen allele CA385546690.